The following is an entry in ClinVar:

ClinVar aggregate classification (germline): Likely benign (1 of 4 stars; one submission).

Submission:

Laboratory for Molecular Medicine, Mass General Brigham Personalized Medicine
Classification: Likely benign. Last evaluated: 2011-11-01. Review status: criteria provided, single submitter. Criteria: LMM Criteria. Collection method: clinical testing. Allele origin: somatic. Observed: 3 variant alleles.
Comment: Ala11Ala in exon 2 of KRAS: This variant does not change an amino acid and does not affect the splice consensus sequence. This makes a disease causing role very unlikely.

NM_004985.5(KRAS):c.33T>C (p.Ala11=)

Gene: KRAS (KRAS proto-oncogene, GTPase; minus strand). Cytogenetic location: 12p12.1.
Variant type: single nucleotide variant.
Coding change: c.33T>C on transcript NM_004985.5 (MANE Select); coding-DNA position 33, T replaced by C.
Protein change: p.Ala11=; no amino-acid change (alanine 11 retained).
Molecular consequence: synonymous variant.
Genome position (GRCh38, 1-based): chr12:25,245,352, A>G on the plus strand (T>C on the coding strand, the complement: KRAS is on the minus strand). VCF-style: chr12-25245352-A-G. GRCh37 (hg19) VCF-style: chr12-25398286-A-G.
Other names: c.33T>C, p.Ala11= (NM_001369786.1, NM_001369787.1, NM_033360.4).
Identifiers: ClinVar variation 45121 (VCV000045121.4), dbSNP rs397517039, ClinGen allele CA135562.
Genomic context (GRCh38, chr12:25,245,352, plus strand): 5'-TTCGTCCACAAAATGATTCTGAATTAGCTGTATCGTCAAGGCACTCTTGCCTACGCCACC[A>G]GCTCCAACTACCACAAGTTTATATTCAGTCATTTTCAGCAGGCCTTATAATAAAAATAAT-3'
Protein context (NP_004976.2, residues 1-21): MTEYKLVVVG[Ala11=]GGVGKSALTI